The following is an entry in ClinVar:

NM_007294.4(BRCA1):c.5468-1_5469del

Gene: BRCA1 (BRCA1 DNA repair associated; minus strand). Cytogenetic location: 17q21.31.
Variant type: Deletion.
Coding change: c.5468-1_5469del on transcript NM_007294.4 (MANE Select); the canonical splice acceptor site of the intron before coding-DNA position 5468 through coding-DNA position 5469, 3 bases deleted (GCA; older notation c.5468-1_5469delGCA).
Molecular consequence: splice acceptor variant.
Genome position (GRCh38, 1-based): chr17:43,045,801-43,045,803, TGC deleted on the plus strand (GCA on the coding strand, the reverse complement: BRCA1 is on the minus strand); deleting any 3 consecutive bases within chr17:43,045,801-43,045,805 gives the same sequence; the c. name uses the placement nearest the transcript's 3' end. VCF-style (leftmost placement, unchanged base first): chr17-43045800-TTGC-T. GRCh37 (hg19) VCF-style: chr17-41197817-TTGC-T.
Other names: c.1949-1_1950del (NM_001408478.1, NM_001408480.1, NM_001408479.1); c.5255-1_5256del (NM_001407907.1, NM_001407902.1, NM_001407897.1 and 12 more transcripts); c.5258-1_5259del (NM_001407879.1, NM_001407882.1, NM_001407885.1 and 5 more transcripts); c.2030-1_2031del (NM_001408450.1, NM_001408447.1, NM_001408446.1 and 2 more transcripts); c.2033-1_2034del (NM_001408434.1, NM_001408440.1, NM_001408433.1 and 10 more transcripts); c.5342-1_5343del (NM_001407672.1, NM_001407678.1, NM_001407671.1 and 8 more transcripts); c.2153-1_2154del (NM_001408398.1, NM_001408397.1, NM_001408401.1 and 7 more transcripts); c.2156-1_2157del (NM_001407992.1, NM_001407981.1, NM_007298.4 and 10 more transcripts); and 84 more.
Identifiers: ClinVar variation 1363523 (VCV001363523.8), dbSNP rs2152598561, ClinGen allele CA2573154007.

ClinVar aggregate classification (germline): Pathogenic/Likely pathogenic. Review status: criteria provided, multiple submitters, no conflicts (2 of 4 stars). 2 submissions from 2 submitters: Pathogenic (1); Likely pathogenic (1). Last evaluated 2025-03-17.

Conditions:
Hereditary cancer-predisposing syndrome. Also called: Neoplastic Syndromes, Hereditary; Tumor predisposition; Hereditary neoplastic syndrome; Hereditary Cancer Syndrome. Identifiers: Orphanet 140162, MedGen C0027672, MeSH D009386, MONDO:0015356.
Hereditary breast ovarian cancer syndrome. Also called: Hereditary breast and ovarian cancer; Hereditary breast and/or ovarian cancer syndrome; BRCA1- and BRCA2-Associated Hereditary Breast and Ovarian Cancer; Hereditary breast and ovarian cancer syndrome; Hereditary breast and ovarian cancer syndrome (HBOC); Breast and ovarian cancer. Identifiers: Orphanet 145, MedGen C0677776, MeSH D061325, MONDO:0003582. Disease mechanism: loss of function.

Submissions (2):

Ambry Genetics
Classification: Likely pathogenic for Hereditary cancer-predisposing syndrome. Last evaluated: 2025-03-17. Review status: criteria provided, single submitter. Criteria: Ambry Variant Classification Scheme 2023. Collection method: clinical testing. Allele origin: germline.
Comment: The c.5468-1_5469delGCA variant results from a deletion of 3 nucleotides between positions 5468-1 and 5469 and involves the canonical splice acceptor site before coding exon 22 of the BRCA1 gene. The canonical splice acceptor site is well conserved in available vertebrate species. Alterations that disrupt the canonical splice site are expected to result in aberrant splicing. In silico splice site analysis predicts that this alteration will weaken the native splice acceptor site and will result in the creation or strengthening of a novel splice acceptor site. This alteration occurs at the 3' terminus of the BRCA1 gene, is not expected to trigger nonsense-mediated mRNA decay, and a predicted resulting transcript only impacts the last 39 amino acids of the protein. The exact functional effect of this alteration is unknown; however the region predicted to be impacted is critical for protein function (Ambry internal data). This variant is considered to be rare based on population cohorts in the Genome Aggregation Database (gnomAD). Based on the majority of available evidence to date, this variant is likely to be pathogenic.

Labcorp Genetics (formerly Invitae), Labcorp
Classification: Pathogenic for Hereditary breast ovarian cancer syndrome. Last evaluated: 2021-09-10. Review status: criteria provided, single submitter. Criteria: Invitae Variant Classification Sherloc (09022015). Collection method: clinical testing. Allele origin: germline.
Comment: Variants that disrupt the consensus splice site are a relatively common cause of aberrant splicing (PMID: 17576681, 9536098). Algorithms developed to predict the effect of sequence changes on RNA splicing suggest that this variant may disrupt the consensus splice site. For these reasons, this variant has been classified as Pathogenic. Disruption of this splice site has been observed in individual(s) with early-onset ovarian cancer (PMID: 26028024). In at least one individual the variant was observed to be de novo. This variant results in the deletion of part of exon 23 (c.5468-1_5469del) of the BRCA1 gene. While this variant is not anticipated to result in nonsense mediated decay, it likely alters RNA splicing and results in a disrupted protein product. This variant is not present in population databases (ExAC no frequency).

Literature cited by the submitters: PubMed 17576681 (cited by Labcorp Genetics (formerly Invitae), Labcorp); PubMed 9536098 (cited by Labcorp Genetics (formerly Invitae), Labcorp); PubMed 26028024 (cited by Labcorp Genetics (formerly Invitae), Labcorp).